The following is an entry in ClinVar:

NM_005120.3(MED12):c.3613C>T (p.Arg1205Cys)

Gene: MED12 (mediator complex subunit 12; plus strand). Cytogenetic location: Xq13.1.
Variant type: single nucleotide variant.
Coding change: c.3613C>T on transcript NM_005120.3 (MANE Select); coding-DNA position 3613, C replaced by T.
Protein change: p.Arg1205Cys; replaces arginine 1205 with cysteine.
Molecular consequence: missense variant.
Genome position (GRCh38, 1-based): chrX:71,129,351, C>T. VCF-style: chrX-71129351-C-T. GRCh37 (hg19) VCF-style: chrX-70349201-C-T.
Other names: short protein forms R1205C.
Identifiers: ClinVar variation 1028858 (VCV001028858.3), dbSNP rs2092311027, ClinGen allele CA413520188.

ClinVar aggregate classification (germline): Uncertain significance. Review status: criteria provided, multiple submitters, no conflicts (2 of 4 stars). 3 submissions from 3 submitters: Uncertain significance (3). Last evaluated 2024-05-10.

Conditions:
X-linked intellectual disability with marfanoid habitus. Also called: Lujan Syndrome; INTELLECTUAL DEVELOPMENTAL DISORDER, X-LINKED, SYNDROMIC, LUJAN-FRYNS TYPE; X-linked mental retardation with marfanoid habitus syndrome; Lujan Syndrome (LS). Identifiers: Orphanet 776, MedGen C0796022, MONDO:0010655, OMIM 309520.
Familial thoracic aortic aneurysm and aortic dissection (TAAD). Also called: Thoracic aortic aneurysms and dissections. Identifiers: Orphanet 91387, MedGen C4707243, MONDO:0019625.

Allele frequency attached by ClinVar (database versions not stated): gnomAD exomes below 0.00001.
gnomAD v4.1: 2 of 1,209,986 alleles (0.00017%); highest among the groups gnomAD compares: South Asian, 0.0018%; no homozygotes.

Submissions (3):

GeneDx
Classification: Uncertain significance. Last evaluated: 2024-05-10. Review status: criteria provided, single submitter. Criteria: GeneDx Variant Classification Process June 2021. Collection method: clinical testing. Allele origin: germline. Affected: yes.
Comment: Not observed at significant frequency in large population cohorts (gnomAD); In silico analysis supports that this missense variant has a deleterious effect on protein structure/function; Has not been previously published as pathogenic or benign to our knowledge

Ambry Genetics
Classification: Uncertain significance for Familial thoracic aortic aneurysm and aortic dissection. Last evaluated: 2023-12-13. Review status: criteria provided, single submitter. Criteria: Ambry Variant Classification Scheme 2023. Collection method: clinical testing. Allele origin: germline.
Comment: The c.3613C>T (p.R1205C) alteration is located in exon 26 (coding exon 26) of the MED12 gene. This alteration results from a C to T substitution at nucleotide position 3613, causing the arginine (R) at amino acid position 1205 to be replaced by a cysteine (C). This variant was not reported in population-based cohorts in the Genome Aggregation Database (gnomAD). This amino acid position is highly conserved in available vertebrate species. This missense alteration is located in a region that has a low rate of benign missense variation (Lek, 2016; Firth, 2009). This alteration is predicted to be deleterious by in silico analysis. Based on insufficient or conflicting evidence, the clinical significance of this alteration remains unclear.

Baylor Genetics
Classification: Uncertain significance for X-linked intellectual disability with marfanoid habitus. Last evaluated: 2019-04-11. Review status: criteria provided, single submitter. Criteria: ACMG Guidelines, 2015. Collection method: clinical testing. Allele origin: unknown. Affected: yes.
Comment: This variant was determined to be of uncertain significance according to ACMG Guidelines, 2015 [PMID:25741868].